The following is an entry in ClinVar:

NM_002485.5(NBN):c.1470A>C (p.Leu490Phe)

Gene: NBN (nibrin; minus strand). Cytogenetic location: 8q21.3.
Variant type: single nucleotide variant.
Coding change: c.1470A>C on transcript NM_002485.5 (MANE Select); coding-DNA position 1470, A replaced by C.
Protein change: p.Leu490Phe; replaces leucine 490 with phenylalanine.
Molecular consequence: missense variant.
Genome position (GRCh38, 1-based): chr8:89,953,619, T>G on the plus strand (A>C on the coding strand, the complement: NBN is on the minus strand). VCF-style: chr8-89953619-T-G. GRCh37 (hg19) VCF-style: chr8-90965847-T-G.
Other names: c.1224A>C, p.Leu408Phe (NM_001024688.3); short protein forms L490F, L408F.
Identifiers: ClinVar variation 663144 (VCV000663144.9), dbSNP rs1447979380, ClinGen allele CA371655788.

ClinVar aggregate classification (germline): Uncertain significance. Review status: criteria provided, multiple submitters, no conflicts (2 of 4 stars). 2 submissions from 2 submitters: Uncertain significance (2). Last evaluated 2026-07-06.

Conditions:
Microcephaly, normal intelligence and immunodeficiency (NBS). Also called: Microcephaly with normal intelligence immunodeficiency and lymphoreticular malignancies; Nonsyndromal microcephaly autosomal recessive with normal intelligence; Seemanova syndrome 2; IMMUNODEFICIENCY, MICROCEPHALY, AND CHROMOSOMAL INSTABILITY; BERLIN BREAKAGE SYNDROME; SEEMANOVA SYNDROME II. Identifiers: Orphanet 647, MedGen C0398791, MONDO:0009623, OMIM 251260.
Hereditary cancer-predisposing syndrome. Also called: Neoplastic Syndromes, Hereditary; Hereditary Cancer Syndrome; Hereditary neoplastic syndrome; Tumor predisposition. Identifiers: Orphanet 140162, MedGen C0027672, MeSH D009386, MONDO:0015356.

Allele frequency attached by ClinVar (database versions not stated): gnomAD exomes below 0.00001.

Submissions (2):

Ambry Genetics
Classification: Uncertain significance for Hereditary cancer-predisposing syndrome. Last evaluated: 2026-07-06. Review status: criteria provided, single submitter. Criteria: Ambry Variant Classification Scheme 2023. Collection method: clinical testing. Allele origin: germline.
Comment: The p.L490F variant (also known as c.1470A>C), located in coding exon 11 of the NBN gene, results from an A to C substitution at nucleotide position 1470. The leucine at codon 490 is replaced by phenylalanine, an amino acid with highly similar properties. This amino acid position is conserved. In addition, this alteration is predicted to be tolerated by in silico analysis. Based on the available evidence, the clinical significance of this variant remains unclear.

Labcorp Genetics (formerly Invitae), Labcorp
Classification: Uncertain significance for Microcephaly, normal intelligence and immunodeficiency. Last evaluated: 2018-09-04. Review status: criteria provided, single submitter. Criteria: Invitae Variant Classification Sherloc (09022015). Collection method: clinical testing. Allele origin: germline.
Comment: In summary, the available evidence is currently insufficient to determine the role of this variant in disease. Therefore, it has been classified as a Variant of Uncertain Significance. Algorithms developed to predict the effect of missense changes on protein structure and function are either unavailable or do not agree on the potential impact of this missense change (SIFT: "Tolerated"; PolyPhen-2: "Possibly Damaging"; Align-GVGD: "Class C0"). This variant has not been reported in the literature in individuals with NBN-related disease. This variant is not present in population databases (ExAC no frequency). This sequence change replaces leucine with phenylalanine at codon 490 of the NBN protein (p.Leu490Phe). The leucine residue is weakly conserved and there is a small physicochemical difference between leucine and phenylalanine.